The following is an entry in ClinVar:

ClinVar aggregate classification (germline): Benign/Likely benign. Review status: criteria provided, multiple submitters, no conflicts (2 of 4 stars). 7 submissions from 7 submitters: Benign (1); Likely benign (6). Last evaluated 2025-12-21.

Conditions:
Hereditary cancer-predisposing syndrome. Also called: Hereditary neoplastic syndrome; Tumor predisposition; Hereditary Cancer Syndrome; Neoplastic Syndromes, Hereditary. Identifiers: Orphanet 140162, MedGen C0027672, MeSH D009386, MONDO:0015356.
Multiple endocrine neoplasia, type 2 (MEN2). Identifiers: Orphanet 653, MedGen C4048306, MONDO:0019003. Disease mechanism: gain of function.
Multiple endocrine neoplasia type 2A. Also called: Multiple Endocrine Neoplasia Type 2A (MEN2A); MULTIPLE ENDOCRINE NEOPLASIA, TYPE IIA; PTC SYNDROME; SIPPLE SYNDROME; MEN 2A; MEN-2A syndrome. Identifiers: Orphanet 247698, Orphanet 653, MedGen C0025268, MeSH D018813, MONDO:0008234, OMIM 171400.
Multiple endocrine neoplasia type 2B. Also called: Multiple Endocrine Neoplasia Type 2B (MEN2B); MEN IIB; NEUROMATA, MUCOSAL, WITH ENDOCRINE TUMORS; WAGENMANN-FROBOESE SYNDROME; MULTIPLE ENDOCRINE NEOPLASIA, TYPE III; MUCOSAL NEUROMA SYNDROME. Identifiers: Orphanet 247709, Orphanet 653, MedGen C0025269, MeSH D018814, MONDO:0008082, OMIM 162300.

gnomAD v4.1: 3 of 1,613,412 alleles (0.00019%); highest among the groups gnomAD compares: Non-Finnish European, 0.00025%; no homozygotes.

Submissions (7):

Labcorp Genetics (formerly Invitae), Labcorp
Classification: Likely benign for Multiple endocrine neoplasia, type 2. Last evaluated: 2025-12-21. Review status: criteria provided, single submitter. Criteria: Invitae Variant Classification Sherloc (09022015). Collection method: clinical testing. Allele origin: germline.

Myriad Genetics, Inc.
Classification: Benign for Multiple endocrine neoplasia type 2A. Last evaluated: 2025-02-25. Review status: criteria provided, single submitter. Criteria: Myriad Autosomal Dominant, Autosomal Recessive and X-Linked Classification Criteria (2023). Collection method: clinical testing. Allele origin: unknown.
Comment: This variant is considered benign. This variant is a silent/synonymous amino acid change and it is not expected to impact splicing.

All of Us Research Program, National Institutes of Health
Classification: Likely benign for Multiple endocrine neoplasia, type 2. Last evaluated: 2024-09-23. Review status: criteria provided, single submitter. Criteria: ACMG Guidelines, 2015. Collection method: clinical testing. Allele origin: germline. Inheritance: Autosomal dominant inheritance. Observed: 2 variant alleles, 2 heterozygotes.
Comment: This study involves interpretation of variants in research participants for the purpose of population health screening. Participant phenotype was not available at the time of variant classification. Additional details can be found in publication PMID: 35346344, PMCID: PMC8962531

Color Diagnostics, LLC DBA Color Health
Classification: Likely benign for Multiple endocrine neoplasia, type 2. Last evaluated: 2024-07-16. Review status: criteria provided, single submitter. Criteria: ACMG Guidelines, 2015. Collection method: clinical testing. Allele origin: germline.

KCCC/NGS Laboratory, Kuwait Cancer Control Center
Classification: Likely benign for Multiple endocrine neoplasia type 2B. Last evaluated: 2023-07-07. Review status: criteria provided, single submitter. Criteria: ACMG Guidelines, 2015. Collection method: clinical testing. Allele origin: germline. Affected: yes.

Ambry Genetics
Classification: Likely benign for Hereditary cancer-predisposing syndrome. Last evaluated: 2016-03-07. Review status: criteria provided, single submitter. Criteria: Ambry Variant Classification Scheme 2023. Collection method: clinical testing. Allele origin: germline.

PreventionGenetics, part of Exact Sciences
Classification: Likely benign. Review status: criteria provided, single submitter. Criteria: ACMG Guidelines, 2015. Collection method: clinical testing. Allele origin: germline.

NM_020975.6(RET):c.951G>A (p.Thr317=)

Gene: RET (ret proto-oncogene; plus strand). Cytogenetic location: 10q11.21.
Variant type: single nucleotide variant.
Coding change: c.951G>A on transcript NM_020975.6 (MANE Select); coding-DNA position 951, G replaced by A.
Protein change: p.Thr317=; no amino-acid change (threonine 317 retained).
Molecular consequence: synonymous variant. On other transcripts: intron variant (25).
Genome position (GRCh38, 1-based): chr10:43,106,459, G>A. VCF-style: chr10-43106459-G-A. GRCh37 (hg19) VCF-style: chr10-43601907-G-A.
Other names: c.951G>A, p.Thr317= (NM_000323.2, NM_001406743.1, NM_001406744.1 and 6 more transcripts); c.189G>A, p.Thr63= (NM_001355216.2); c.822G>A, p.Thr274= (NM_001406761.1, NM_001406762.1, NM_001406764.1 and 1 more transcripts); c.663G>A, p.Thr221= (NM_001406766.1, NM_001406767.1, NM_001406770.1); c.867+1266G>A (NM_001406772.1, NM_001406769.1); c.626-2572G>A (NM_001406773.1, NM_001406771.1); c.625+3830G>A (NM_001406782.1, NM_001406780.1, NM_001406779.1 and 3 more transcripts); c.738+1266G>A (NM_001406774.1); and 5 more.
Identifiers: ClinVar variation 219685 (VCV000219685.21), dbSNP rs375812189, ClinGen allele CA349464.